The following is an entry in ClinVar:

NM_002291.3(LAMB1):c.4956G>C (p.Glu1652Asp)

Gene: LAMB1 (laminin subunit beta 1; minus strand). Cytogenetic location: 7q31.1.
Variant type: single nucleotide variant.
Coding change: c.4956G>C on transcript NM_002291.3 (MANE Select); coding-DNA position 4956, G replaced by C.
Protein change: p.Glu1652Asp; replaces glutamic acid 1652 with aspartic acid.
Molecular consequence: missense variant.
Genome position (GRCh38, 1-based): chr7:107,926,291, C>G on the plus strand (G>C on the coding strand, the complement: LAMB1 is on the minus strand). VCF-style: chr7-107926291-C-G. GRCh37 (hg19) VCF-style: chr7-107566736-C-G.
Other names: short protein forms E1652D.
Identifiers: ClinVar variation 3682118 (VCV003682118.2).

ClinVar aggregate classification (germline): Uncertain significance (1 of 4 stars; one submission).

gnomAD v4.1: 2 of 1,613,902 alleles (0.00012%); highest among the groups gnomAD compares: African/African-American, 0.0027%; no homozygotes.

Submission:

Labcorp Genetics (formerly Invitae), Labcorp
Classification: Uncertain significance. Last evaluated: 2024-04-19. Review status: criteria provided, single submitter. Criteria: Invitae Variant Classification Sherloc (09022015). Collection method: clinical testing. Allele origin: germline.
Comment: This sequence change replaces glutamic acid, which is acidic and polar, with aspartic acid, which is acidic and polar, at codon 1652 of the LAMB1 protein (p.Glu1652Asp). This variant is present in population databases (rs766558780, gnomAD 0.01%). This variant has not been reported in the literature in individuals affected with LAMB1-related conditions. An algorithm developed to predict the effect of missense changes on protein structure and function (PolyPhen-2) suggests that this variant is likely to be tolerated. In summary, the available evidence is currently insufficient to determine the role of this variant in disease. Therefore, it has been classified as a Variant of Uncertain Significance.